The following is an entry in ClinVar:

NM_002150.3(HPD):c.1005C>G (p.Ile335Met)

Genes: HPD (4-hydroxyphenylpyruvate dioxygenase; minus strand), TIALD (transcript inducer of AURKA lysosomal degradation; plus strand). Cytogenetic location: 12q24.31.
Variant type: single nucleotide variant.
Coding change: c.1005C>G on transcript NM_002150.3 (MANE Select); coding-DNA position 1005, C replaced by G.
Protein change: p.Ile335Met; replaces isoleucine 335 with methionine.
Molecular consequence: missense variant.
Genome position (GRCh38, 1-based): chr12:121,839,998, G>C on the plus strand (C>G on the coding strand, the complement: HPD is on the minus strand). VCF-style: chr12-121839998-G-C. GRCh37 (hg19) VCF-style: chr12-122277904-G-C.
Other names: c.888C>G, p.Ile296Met (NM_001171993.2); short protein forms I335M, I296M.
Identifiers: ClinVar variation 1576 (VCV000001576.62), dbSNP rs137852868, ClinGen allele CA115065.
Genomic context (GRCh38, chr12:121,839,998, plus strand): 5'-GTTGTGGCGCTGGATGACTTCCAGGAAGAGCGTGGGCCGGTCCTGCACCGGTTTGGTGAA[G>C]ATCTGCAGGAGGTAGCCTTTCTCGTCGTAGTCCACCAGGATTTTCAGCTCCTAGGCGGGA-3'
Protein context (NP_002141.2, residues 325-345): DYDEKGYLLQ[Ile335Met]FTKPVQDRPT

ClinVar aggregate classification (germline): Conflicting classifications of pathogenicity. Review status: criteria provided, conflicting classifications (1 of 4 stars). 10 submissions from 9 submitters: Uncertain significance (2); Benign (1); Likely benign (5). 2 of the submissions do not count toward it. Last evaluated 2026-02-02.

Conditions:
HPD-related disorder. Also called: HPD-related condition.
Tyrosinemia type III. Also called: 4-HYDROXYPHENYLPYRUVIC ACID OXIDASE DEFICIENCY; Tyrosinemia type 3; 4-alpha hydroxyphenylpyruvic acid oxidase deficiency; 4-alpha hydroxyphenylpyruvate dioxygenase deficiency; 4-Hydroxyphenylpyruvate dioxygenase deficiency. Identifiers: Orphanet 69723, MedGen C0268623, MONDO:0010162, OMIM 276710.
Hawkinsinuria. Identifiers: Orphanet 2118, MedGen C2931042, MONDO:0007700, OMIM 140350, HP:0034457.

Allele frequency attached by ClinVar (database versions not stated): gnomAD exomes 0.00201 and 0.00169; ExAC 0.00211; 1000 Genomes Project 30x 0.00297; TOPMed 0.00111; gnomAD 0.00051; 1000 Genomes Project 0.00319.
gnomAD v4.1: 2,677 of 1,613,954 alleles (0.17%); highest among the groups gnomAD compares: Middle Eastern, 0.76%; 11 homozygotes.

Submissions (10):

Labcorp Genetics (formerly Invitae), Labcorp
Classification: Benign for Tyrosinemia type III; Hawkinsinuria. Last evaluated: 2026-02-02. Review status: criteria provided, single submitter. Criteria: Invitae Variant Classification Sherloc (09022015). Collection method: clinical testing. Allele origin: germline.

Women's Health and Genetics/Laboratory Corporation of America, LabCorp
Classification: Likely benign. Last evaluated: 2025-10-20. Review status: criteria provided, single submitter. Criteria: LabCorp Variant Classification Summary - May 2015. Collection method: clinical testing. Allele origin: germline.
Comment: Variant summary: HPD c.1005C>G (p.Ile335Met) results in a conservative amino acid change in the encoded protein sequence. Algorithms developed to predict the effect of missense changes on protein structure and function are either unavailable or do not agree on the potential impact of this missense change. The variant allele was found at a frequency of 0.002 in 251474 control chromosomes, predominantly at a frequency of 0.0073 within the South Asian subpopulation in the gnomAD database, including 4 homozygotes. The observed variant frequency within South Asian control individuals in the gnomAD database exceeds the estimated maximal expected allele frequency for disease-causing variants in HPD. c.1005C>G has been reported in the literature in individuals affected with Tyrosinemia Type 3 without strong evidence for causality (Ganapathy_2019, Ruetschi_2000). These report(s) do not provide unequivocal conclusions about association of the variant with Tyrosinemia Type 3. To our knowledge, no experimental evidence demonstrating an impact on protein function has been reported. The following publications have been ascertained in the context of this evaluation (PMID: 31069529, 10942115). ClinVar contains an entry for this variant (Variation ID: 1576). Based on the evidence outlined above, the variant was classified as likely benign.

CeGaT Center for Human Genetics Tuebingen
Classification: Likely benign. Last evaluated: 2025-05-01. Review status: criteria provided, single submitter. Criteria: CeGaT Center For Human Genetics Tuebingen Variant Classification Criteria Version 2. Collection method: clinical testing. Allele origin: germline. Affected: yes. Observed: 4 variant alleles.
Comment: HPD: BS2

Victorian Clinical Genetics Services, Murdoch Childrens Research Institute
Classification: Uncertain significance for Tyrosinemia type III. Last evaluated: 2020-10-19. Review status: criteria provided, single submitter. Criteria: ACMG Guidelines, 2015. Collection method: clinical testing. Allele origin: germline.
Comment: Based on the classification scheme VCGS_Germline_v1.3.3, this variant is classified as 3A-VUS. Following criteria are met: 0102 - Loss of function is a known mechanism of disease in this gene and is associated with autosomal dominant Hawkinsinuria (MIM#140350) and autosomal recessive Tyrosinemia type III (MIM#276710). (I) 0108 - This gene is associated with both recessive and dominant disease. Heterozygous variants cause partial loss of enzyme activity which is related to hawkinsinuria, whereas homezygous variants cause complete loss of enzyme activity which is associated with tyrosinemia type III (OMIM). (I) 0200 - Variant is predicted to result in a missense amino acid change from isoleucine to methionine. (I) 0251 - This variant is heterozygous. (I) 0304 - Variant is present in gnomAD (v2) <0.01 for a recessive condition (512 heterozygotes, 5 homozygotes). (SP) 0502 - Missense variant with conflicting in silico predictions and uninformative conservation. (I) 0600 - Variant is located in the annotated glyoxalase superfamily (PDB). (I) 0705 - No comparable missense variants have previous evidence for pathogenicity. (I) 0803 - This variant has limited previous evidence of pathogenicity in two unrelated individuals with tyrosinemia type III and hawkinsinuria, respectively (PMID: 10942115, 17560158). In addition, it has also been reported with conflicting pathogenicity in ClinVar without any solid evidence. (SP) 0905 - No published segregation evidence has been identified for this variant. (I) 1006 - Clinically accredited laboratory assay shows abnormal function of product not specific to the gene. Enzymatic assays using liver biopsy material has demonstrated reduced enzymatic activity in a patient (PMID: 10942115). (SP) 1208 - Inheritance information for this variant is not currently available. (N) Legend: (SP) - Supporting pathogenic, (I) - Information, (SB) - Supporting benign

Mendelics
Classification: Uncertain significance for Hawkinsinuria. Last evaluated: 2019-05-28. Review status: criteria provided, single submitter. Criteria: Mendelics Assertion Criteria 2017. Collection method: clinical testing. Allele origin: unknown.

GeneDx
Classification: Likely benign. Last evaluated: 2018-12-06. Review status: criteria provided, single submitter. Criteria: GeneDx Variant Classification Process June 2021. Collection method: clinical testing. Allele origin: germline. Affected: yes.
Comment: This variant is associated with the following publications: (PMID: 10942115, 25219469, 17560158)

Illumina Laboratory Services, Illumina
Classification: Likely benign for Tyrosinemia type III. Last evaluated: 2017-04-27. Review status: criteria provided, single submitter. Criteria: ICSL Variant Classification Criteria 13 December 2019. Collection method: clinical testing. Allele origin: germline.
Comment: This variant was observed as part of a predisposition screen in an ostensibly healthy population. A literature search was performed for the gene, cDNA change, and amino acid change (where applicable). Publications were found based on this search. The evidence from the literature, in combination with allele frequency data from public databases where available, was sufficient to determine this variant is unlikely to cause disease. Therefore, this variant is classified as likely benign.

Illumina Laboratory Services, Illumina
Classification: Likely benign for Hawkinsinuria. Last evaluated: 2017-04-27. Review status: criteria provided, single submitter. Criteria: ICSL Variant Classification Criteria 13 December 2019. Collection method: clinical testing. Allele origin: germline.
Comment: the same text as in the submission from Illumina Laboratory Services, Illumina above.

PreventionGenetics, part of Exact Sciences
Classification: Uncertain significance for HPD-related condition. Last evaluated: 2024-02-20. Review status: no assertion criteria provided. Collection method: clinical testing. Allele origin: germline. Not counted in ClinVar's aggregate classification.
Comment: The HPD c.1005C>G variant is predicted to result in the amino acid substitution p.Ile335Met. This variant was reported in an individual with Tyrosinaemia 3 (Ruetschi et al 2000. PubMed ID: 10942115; Table S3. Ganapathy A et al 2019. PubMed ID: 31069529). This variant is reported in 0.73% of alleles in individuals of South Asian descent in gnomAD. At this time, the clinical significance of this variant is uncertain due to the absence of conclusive functional and genetic evidence.

OMIM
Classification: Pathogenic for TYROSINEMIA, TYPE III. Last evaluated: 2000-06-01. Review status: no assertion criteria provided. Collection method: literature only. Allele origin: germline. Not counted in ClinVar's aggregate classification.

Literature cited by the submitters: PubMed 10942115 (cited by 4 submitters); PubMed 31069529 (cited by Women's Health and Genetics/Laboratory Corporation of America, LabCorp); PubMed 17560158 (cited by Victorian Clinical Genetics Services, Murdoch Childrens Research Institute and Illumina Laboratory Services, Illumina).